The following is an entry in ClinVar:

ClinVar aggregate classification (germline): Uncertain significance. Review status: criteria provided, multiple submitters, no conflicts (2 of 4 stars). 2 submissions from 2 submitters: Uncertain significance (2). Last evaluated 2023-03-02.

Conditions:
Cardiovascular phenotype. Identifiers: MedGen CN230736.
Alstrom syndrome (ALMS). Identifiers: Orphanet 64, MedGen C0268425, MONDO:0008763, OMIM 203800.

Allele frequency attached by ClinVar (database versions not stated): TOPMed below 0.00001; gnomAD exomes 0.00001.
gnomAD v4.1: 3 of 1,613,988 alleles (0.00019%); highest among the groups gnomAD compares: Non-Finnish European, 0.00025%; no homozygotes.

Submissions (2):

Ambry Genetics
Classification: Uncertain significance for Cardiovascular phenotype. Last evaluated: 2023-03-02. Review status: criteria provided, single submitter. Criteria: Ambry Variant Classification Scheme 2023. Collection method: clinical testing. Allele origin: germline.
Comment: The p.T1915I variant (also known as c.5744C>T), located in coding exon 8 of the ALMS1 gene, results from a C to T substitution at nucleotide position 5744. The threonine at codon 1915 is replaced by isoleucine, an amino acid with similar properties. This amino acid position is not well conserved in available vertebrate species. In addition, this alteration is predicted to be tolerated by in silico analysis. Since supporting evidence is limited at this time, the clinical significance of this alteration remains unclear.

Labcorp Genetics (formerly Invitae), Labcorp
Classification: Uncertain significance for Alstrom syndrome. Last evaluated: 2022-07-05. Review status: criteria provided, single submitter. Criteria: Invitae Variant Classification Sherloc (09022015). Collection method: clinical testing. Allele origin: germline.
Comment: This sequence change replaces threonine, which is neutral and polar, with isoleucine, which is neutral and non-polar, at codon 1915 of the ALMS1 protein (p.Thr1915Ile). This variant is present in population databases (no rsID available, gnomAD 0.0009%). This variant has not been reported in the literature in individuals affected with ALMS1-related conditions. In summary, the available evidence is currently insufficient to determine the role of this variant in disease. Therefore, it has been classified as a Variant of Uncertain Significance.

NM_001378454.1(ALMS1):c.5741C>T (p.Thr1914Ile)

Gene: ALMS1 (ALMS1 centrosome and basal body associated protein; plus strand). Cytogenetic location: 2p13.1.
Variant type: single nucleotide variant.
Coding change: c.5741C>T on transcript NM_001378454.1 (MANE Select); coding-DNA position 5741, C replaced by T.
Protein change: p.Thr1914Ile; replaces threonine 1914 with isoleucine.
Molecular consequence: missense variant.
Genome position (GRCh38, 1-based): chr2:73,452,268, C>T. VCF-style: chr2-73452268-C-T. GRCh37 (hg19) VCF-style: chr2-73679395-C-T.
Other names: c.5744C>T, p.Thr1915Ile (NM_015120.4); short protein forms T1914I, T1915I.
Identifiers: ClinVar variation 2155712 (VCV002155712.5), dbSNP rs1371097457, ClinGen allele CA347283160.
Genomic context (GRCh38, chr2:73,452,268, plus strand): 5'-GTTCCTACTCAAATAGAGAGAAGGCCAGTATTTTTCATCAGCAGGAGTTGCCAGATGTTA[C>T]TGAAGAAGCTTTAAATGTTTTTGTTGTTCCTGGACAAGGTGACCGGAAGACTGAGATACC-3'
Protein context (NP_001365383.1, residues 1904-1924): IFHQQELPDV[Thr1914Ile]EEALNVFVVP